The following is an entry in ClinVar:

NM_198503.5(KCNT2):c.1997+7dup

Gene: KCNT2 (potassium sodium-activated channel subfamily T member 2; minus strand). Cytogenetic location: 1q31.3.
Variant type: Duplication.
Coding change: c.1997+7dup on transcript NM_198503.5 (MANE Select); 7 bases into the intron after coding-DNA position 1997, one base duplicated (T; older notation c.1997+7dupT).
Molecular consequence: intron variant.
Genome position (GRCh38, 1-based): chr1:196,333,840, A duplicated on the plus strand (T on the coding strand, the reverse complement: KCNT2 is on the minus strand); the first of 2 consecutive A bases (chr1:196,333,840-196,333,841); duplicating either gives the same sequence. VCF-style (leftmost placement, unchanged base first): chr1-196333839-G-GA. GRCh37 (hg19) VCF-style: chr1-196302969-G-GA.
Other names: c.1847+7dup (NM_001287820.3); c.1997+7dup (NM_001287819.3).
Identifiers: ClinVar variation 3764123 (VCV003764123.1).

ClinVar aggregate classification (germline): Uncertain significance (1 of 4 stars; one submission).

Submission:

GeneDx
Classification: Uncertain significance. Last evaluated: 2024-08-22. Review status: criteria provided, single submitter. Criteria: GeneDx Variant Classification Process June 2021. Collection method: clinical testing. Allele origin: germline. Affected: yes.
Comment: Not observed at significant frequency in large population cohorts (gnomAD); Has not been previously published as pathogenic or benign to our knowledge; In silico analysis is inconclusive as to whether the variant alters gene splicing. In the absence of RNA/functional studies, the actual effect of this sequence change is unknown.